The following is an entry in ClinVar:

ClinVar aggregate classification (germline): Benign/Likely benign. Review status: criteria provided, multiple submitters, no conflicts (2 of 4 stars). 4 submissions from 4 submitters: Benign (1); Likely benign (3). Last evaluated 2025-03-27.

Conditions:
Familial cancer of breast. Also called: hereditary breast carcinoma; BREAST CANCER, FAMILIAL; Hereditary breast cancer. Identifiers: Orphanet 227535, MedGen C0346153, MONDO:0016419, OMIM 114480. Disease mechanism: loss of function.
Hereditary cancer-predisposing syndrome. Also called: Hereditary Cancer Syndrome; Neoplastic Syndromes, Hereditary; Tumor predisposition; Hereditary neoplastic syndrome. Identifiers: Orphanet 140162, MedGen C0027672, MeSH D009386, MONDO:0015356.

gnomAD v4.1: 1 of 1,596,090 alleles (0.000063%); highest among the groups gnomAD compares: Non-Finnish European, 0.000085%; no homozygotes.

Submissions (4):

Labcorp Genetics (formerly Invitae), Labcorp
Classification: Likely benign for Familial cancer of breast. Last evaluated: 2025-03-27. Review status: criteria provided, single submitter. Criteria: Invitae Variant Classification Sherloc (09022015). Collection method: clinical testing. Allele origin: germline.

Center for Genomic Medicine, Rigshospitalet, Copenhagen University Hospital
Classification: Likely benign. Last evaluated: 2025-03-04. Review status: criteria provided, single submitter. Criteria: ACMG Guidelines, 2015. Collection method: clinical testing. Allele origin: germline.

Myriad Genetics, Inc.
Classification: Benign for Familial cancer of breast. Last evaluated: 2024-10-08. Review status: criteria provided, single submitter. Criteria: Myriad Autosomal Dominant, Autosomal Recessive and X-Linked Classification Criteria (2023). Collection method: clinical testing. Allele origin: unknown.
Comment: This variant is considered benign. This variant is a silent/synonymous amino acid change and it is not expected to impact splicing.

Ambry Genetics
Classification: Likely benign for Hereditary cancer-predisposing syndrome. Last evaluated: 2024-04-26. Review status: criteria provided, single submitter. Criteria: Ambry Variant Classification Scheme 2023. Collection method: clinical testing. Allele origin: germline.

NM_007194.4(CHEK2):c.1428G>C (p.Thr476=)

Gene: CHEK2 (checkpoint kinase 2; minus strand). Cytogenetic location: 22q12.1.
Variant type: single nucleotide variant.
Coding change: c.1428G>C on transcript NM_007194.4 (MANE Select); coding-DNA position 1428, G replaced by C.
Protein change: p.Thr476=; no amino-acid change (threonine 476 retained).
Molecular consequence: synonymous variant.
Genome position (GRCh38, 1-based): chr22:28,694,065, C>G on the plus strand (G>C on the coding strand, the complement: CHEK2 is on the minus strand). VCF-style: chr22-28694065-C-G. GRCh37 (hg19) VCF-style: chr22-29090053-C-G.
Other names: c.1557G>C, p.Thr519= (NM_001005735.3); c.765G>C, p.Thr255= (NM_001257387.3); c.1227G>C, p.Thr409= (NM_001349956.3); c.1341G>C, p.Thr447= (NM_145862.3); c.1428G>C (NM_007194.3).
Identifiers: ClinVar variation 1084980 (VCV001084980.13), dbSNP rs1060504697, ClinGen allele CA513944756.